The following is an entry in ClinVar:

NM_053025.4(MYLK):c.2081C>A (p.Thr694Asn)

Gene: MYLK (myosin light chain kinase; minus strand). Cytogenetic location: 3q21.1.
Variant type: single nucleotide variant.
Coding change: c.2081C>A on transcript NM_053025.4 (MANE Select); coding-DNA position 2081, C replaced by A.
Protein change: p.Thr694Asn; replaces threonine 694 with asparagine.
Molecular consequence: missense variant.
Genome position (GRCh38, 1-based): chr3:123,708,757, G>T on the plus strand (C>A on the coding strand, the complement: MYLK is on the minus strand). VCF-style: chr3-123708757-G-T. GRCh37 (hg19) VCF-style: chr3-123427604-G-T.
Other names: c.1553C>A, p.Thr518Asn (NM_001321309.2); c.1874C>A, p.Thr625Asn (NM_053026.4, NM_053028.4); c.2081C>A, p.Thr694Asn (NM_053027.4); short protein forms T518N, T625N, T694N.
Identifiers: ClinVar variation 1785568 (VCV001785568.2), dbSNP rs768309112, ClinGen allele CA068004.

ClinVar aggregate classification (germline): Uncertain significance (1 of 4 stars; one submission).

Conditions:
Familial thoracic aortic aneurysm and aortic dissection (TAAD). Also called: Thoracic aortic aneurysms and dissections. Identifiers: Orphanet 91387, MedGen C4707243, MONDO:0019625.

Allele frequency attached by ClinVar (database versions not stated): ExAC 0.00001.
gnomAD v4.1: 1 of 1,614,194 alleles (0.000062%); highest among the groups gnomAD compares: Non-Finnish European, 0.000085%; no homozygotes.

Submission:

Ambry Genetics
Classification: Uncertain significance for Familial thoracic aortic aneurysm and aortic dissection. Last evaluated: 2020-10-07. Review status: criteria provided, single submitter. Criteria: Ambry Variant Classification Scheme 2023. Collection method: clinical testing. Allele origin: germline.
Comment: The p.T694N variant (also known as c.2081C>A), located in coding exon 12 of the MYLK gene, results from a C to A substitution at nucleotide position 2081. The threonine at codon 694 is replaced by asparagine, an amino acid with similar properties. This amino acid position is well conserved in available vertebrate species. In addition, this alteration is predicted to be tolerated by in silico analysis. Since supporting evidence is limited at this time, the clinical significance of this alteration remains unclear.